The following is an entry in ClinVar:

ClinVar aggregate classification (germline): Likely pathogenic (1 of 4 stars; one submission).

Conditions:
Wolman disease (WOLD). Also called: Acid cholesteryl ester hydrolase deficiency, Wolman type; Acid lipase disease; Wolman disease, CESD; Wolman disease with hypolipoproteinemia and acanthocytosis; LYSOSOMAL ACID LIPASE DEFICIENCY, ACUTE INFANTILE; LYSOSOMAL ACID LIPASE DEFICIENCY, COMPLETE. Identifiers: Orphanet 75233, MedGen C0043208, MONDO:0019148, OMIM 620151.

Submission:

Labcorp Genetics (formerly Invitae), Labcorp
Classification: Likely pathogenic for Wolman disease. Last evaluated: 2023-03-04. Review status: criteria provided, single submitter. Criteria: Invitae Variant Classification Sherloc (09022015). Collection method: clinical testing. Allele origin: germline.
Comment: In summary, the currently available evidence indicates that the variant is pathogenic, but additional data are needed to prove that conclusively. Therefore, this variant has been classified as Likely Pathogenic. Algorithms developed to predict the effect of sequence changes on RNA splicing suggest that this variant may disrupt the consensus splice site. This variant has not been reported in the literature in individuals affected with LIPA-related conditions. This variant is not present in population databases (gnomAD no frequency). This sequence change affects an acceptor splice site in intron 7 of the LIPA gene. It is expected to disrupt RNA splicing. Variants that disrupt the donor or acceptor splice site typically lead to a loss of protein function (PMID: 16199547), and loss-of-function variants in LIPA are known to be pathogenic (PMID: 23485521).

Literature cited by the submitters: PubMed 16199547; PubMed 23485521.

NM_000235.4(LIPA):c.823-1G>A

Gene: LIPA (lipase A, lysosomal acid type; minus strand). Cytogenetic location: 10q23.31.
Variant type: single nucleotide variant.
Coding change: c.823-1G>A on transcript NM_000235.4 (MANE Select); the canonical splice acceptor site of the intron before coding-DNA position 823, G replaced by A.
Molecular consequence: splice acceptor variant.
Genome position (GRCh38, 1-based): chr10:89,222,583, C>T on the plus strand (G>A on the coding strand, the complement: LIPA is on the minus strand). VCF-style: chr10-89222583-C-T. GRCh37 (hg19) VCF-style: chr10-90982340-C-T.
Other names: c.475-1G>A (NM_001288979.2); c.823-1G>A (NM_001127605.3).
Identifiers: ClinVar variation 2842811 (VCV002842811.3), dbSNP rs2495575741, ClinGen allele CA377516798.